The following is an entry in ClinVar:

ClinVar aggregate classification (germline): Uncertain significance. Review status: criteria provided, multiple submitters, no conflicts (2 of 4 stars). 6 submissions from 6 submitters: Uncertain significance (5). 1 of the submissions does not count toward it. Last evaluated 2025-08-06.

Conditions:
Mucopolysaccharidosis, MPS-I-H/S. Also called: Mucopolysaccharidosis type IH/S. Identifiers: Orphanet 93476, MedGen C0086431, MONDO:0011759, OMIM 607015.
Mucopolysaccharidosis type 1. Also called: Mucopolysaccharidosis Type I; IDUA deficiency; MPS I. Identifiers: Orphanet 579, MedGen C0023786, MONDO:0001586.

Allele frequency attached by ClinVar (database versions not stated): gnomAD exomes 0.00001; TOPMed 0.00001; gnomAD 0.00001.

Submissions (6):

GeneDx
Classification: Uncertain significance. Last evaluated: 2025-08-06. Review status: criteria provided, single submitter. Criteria: GeneDx Variant Classification Process June 2021. Collection method: clinical testing. Allele origin: germline. Affected: yes.
Comment: Not observed at significant frequency in large population cohorts (gnomAD); In silico analysis supports that this missense variant has a deleterious effect on protein structure/function; Has not been previously published as pathogenic or benign to our knowledge

3billion
Classification: Uncertain significance for Mucopolysaccharidosis, MPS-I-H/S. Last evaluated: 2025-07-07. Review status: criteria provided, single submitter. Criteria: ACMG Guidelines, 2015. Collection method: clinical testing. Allele origin: germline. Affected: yes.
Comment: The variant is observed at an extremely low frequency in the gnomAD v4.1.0 dataset (total allele frequency: <0.001%). Predicted Consequence/Location: Missense variant In silico tool predictions suggest damaging effect of the variant on gene or gene product [REVEL: 0.98 (>=0.6, sensitivity 0.68 and specificity 0.92); 3Cnet: 0.99 (> 0.75, sensitivity 0.96 and precision 0.92)]. A different missense change at the same codon (p.Asp257His) has been reported to be associated with IDUA-related disorder (PMID: 31386236). Therefore, this variant is classified as VUS according to the recommendation of ACMG/AMP guideline.

Labcorp Genetics (formerly Invitae), Labcorp
Classification: Uncertain significance for Mucopolysaccharidosis type 1. Last evaluated: 2024-10-07. Review status: criteria provided, single submitter. Criteria: Invitae Variant Classification Sherloc (09022015). Collection method: clinical testing. Allele origin: germline.
Comment: This sequence change replaces aspartic acid, which is acidic and polar, with glycine, which is neutral and non-polar, at codon 257 of the IDUA protein (p.Asp257Gly). The frequency data for this variant in the population databases is considered unreliable, as metrics indicate poor data quality at this position in the gnomAD database. This variant has not been reported in the literature in individuals affected with IDUA-related conditions. ClinVar contains an entry for this variant (Variation ID: 1057164). Invitae Evidence Modeling of protein sequence and biophysical properties (such as structural, functional, and spatial information, amino acid conservation, physicochemical variation, residue mobility, and thermodynamic stability) indicates that this missense variant is expected to disrupt IDUA protein function with a positive predictive value of 80%. In summary, the available evidence is currently insufficient to determine the role of this variant in disease. Therefore, it has been classified as a Variant of Uncertain Significance.

Blueprint Genetics
Classification: Uncertain significance. Last evaluated: 2024-09-06. Review status: criteria provided, single submitter. Criteria: ACMG Guidelines, 2015. Collection method: clinical testing. Allele origin: germline.

Revvity Omics, Revvity
Classification: Uncertain significance. Last evaluated: 2024-04-15. Review status: criteria provided, single submitter. Criteria: ACMG Guidelines, 2015. Collection method: clinical testing. Allele origin: germline.

Natera, Inc.
Classification: Uncertain significance for Mucopolysaccharidosis type I. Last evaluated: 2020-01-17. Review status: no assertion criteria provided. Collection method: clinical testing. Allele origin: germline. Not counted in ClinVar's aggregate classification.

Literature cited by the submitters: PubMed 31386236 (cited by 3billion).

NM_000203.5(IDUA):c.770A>G (p.Asp257Gly)

Gene: IDUA (alpha-L-iduronidase; plus strand). Cytogenetic location: 4p16.3.
Variant type: single nucleotide variant.
Coding change: c.770A>G on transcript NM_000203.5 (MANE Select); coding-DNA position 770, A replaced by G.
Protein change: p.Asp257Gly; replaces aspartic acid 257 with glycine.
Molecular consequence: missense variant. On other transcripts: non-coding transcript variant (1).
Genome position (GRCh38, 1-based): chr4:1,001,859, A>G. VCF-style: chr4-1001859-A-G. GRCh37 (hg19) VCF-style: chr4-995647-A-G.
Other names: c.374A>G, p.Asp125Gly (NM_001363576.1); c.770A>G (NM_000203.3); short protein forms D125G, D257G.
Identifiers: ClinVar variation 1057164 (VCV001057164.11), dbSNP rs1001962975, ClinGen allele CA91168112.